The following is an entry in ClinVar:

ClinVar aggregate classification (germline): Conflicting classifications of pathogenicity. Review status: criteria provided, conflicting classifications (1 of 4 stars). 2 submissions from 2 submitters: Uncertain significance (1); Benign (1). Last evaluated 2024-01-29.

Conditions:
Mowat-Wilson syndrome (MOWS). Also called: Classic Mowat-Wilson Syndrome. Identifiers: Orphanet 2152, MedGen C1856113, MONDO:0009341, OMIM 235730.

Allele frequency attached by ClinVar (database versions not stated): gnomAD 0.00001; gnomAD exomes 0.00001 and 0.00003; TOPMed 0.00001.
gnomAD v4.1: 41 of 1,614,114 alleles (0.0025%); highest among the groups gnomAD compares: East Asian, 0.0045%; no homozygotes.

Submissions (2):

Labcorp Genetics (formerly Invitae), Labcorp
Classification: Benign for Mowat-Wilson syndrome. Last evaluated: 2024-01-29. Review status: criteria provided, single submitter. Criteria: Invitae Variant Classification Sherloc (09022015). Collection method: clinical testing. Allele origin: germline.

CeGaT Center for Human Genetics Tuebingen
Classification: Uncertain significance. Last evaluated: 2023-06-01. Review status: criteria provided, single submitter. Criteria: CeGaT Center For Human Genetics Tuebingen Variant Classification Criteria Version 2. Collection method: clinical testing. Allele origin: germline. Affected: yes. Observed: 1 variant allele.
Comment: ZEB2: PM2, BP4

NM_014795.4(ZEB2):c.467G>A (p.Arg156His)

Gene: ZEB2 (zinc finger E-box binding homeobox 2; minus strand). Cytogenetic location: 2q22.3.
Variant type: single nucleotide variant.
Coding change: c.467G>A on transcript NM_014795.4 (MANE Select); coding-DNA position 467, G replaced by A.
Protein change: p.Arg156His; replaces arginine 156 with histidine.
Molecular consequence: missense variant.
Genome position (GRCh38, 1-based): chr2:144,404,961, C>T on the plus strand (G>A on the coding strand, the complement: ZEB2 is on the minus strand). VCF-style: chr2-144404961-C-T. GRCh37 (hg19) VCF-style: chr2-145162528-C-T.
Other names: c.395G>A, p.Arg132His (NM_001171653.2); short protein forms R156H, R132H.
Identifiers: ClinVar variation 534637 (VCV000534637.34), dbSNP rs1250217464, ClinGen allele CA348715398.